The following is an entry in ClinVar:

NM_004006.3(DMD):c.10523_10524del (p.Arg3508fs)

Gene: DMD (dystrophin; minus strand). Cytogenetic location: Xp21.2.
Variant type: Microsatellite.
Coding change: c.10523_10524del on transcript NM_004006.3 (MANE Select); coding-DNA positions 10523 to 10524, 2 bases deleted (GA; older notation c.10523_10524delGA).
Protein change: p.Arg3508fs; shifts the reading frame from arginine 3508.
Molecular consequence: frameshift variant. On other transcripts: intron variant (2).
Genome position (GRCh38, 1-based): chrX:31,169,472-31,169,473, TC deleted on the plus strand (GA on the coding strand, the reverse complement: DMD is on the minus strand); deleting any 2 consecutive bases within chrX:31,169,472-31,169,478 gives the same sequence; the c. name uses the placement nearest the transcript's 3' end. VCF-style (leftmost placement, unchanged base first): chrX-31169471-TTC-T. GRCh37 (hg19) VCF-style: chrX-31187588-TTC-T.
Other names: c.10499_10500del, p.Arg3500fs (NM_000109.4); c.10511_10512del, p.Arg3504fs (NM_004009.3); c.10154_10155del, p.Arg3385fs (NM_004010.3); c.6500_6501del, p.Arg2167fs (NM_004011.4); c.6491_6492del, p.Arg2164fs (NM_004012.4); c.3143_3144del, p.Arg1048fs (NM_004013.3, NM_004021.3); c.2336_2337del, p.Arg779fs (NM_004014.3); c.1319_1320del, p.Arg440fs (NM_004015.3, NM_004016.3); and 3 more; short protein forms R3500fs, R1035fs, R2167fs, R3508fs, R427fs, R440fs, R1048fs, R2164fs.
Identifiers: ClinVar variation 2005877 (VCV002005877.4), dbSNP rs2519777723, ClinGen allele CA2580616919.
Genomic context (GRCh38, chrX:31,169,471, plus strand): 5'-ATACCAATGACAAAGCTAGAAAGAAAACTCACCTGTTTTCTTCCTCAAGATCTGCTAGGA[TTC>T]TCTCTAGCTCCCCTCTTTCCTCACTCTCTAAGGAAATCAAGATCTGGGCAGGACTACGAG-3'

ClinVar aggregate classification (germline): Pathogenic (1 of 4 stars; one submission).

Conditions:
Duchenne muscular dystrophy (DMD). Also called: MUSCULAR DYSTROPHY, PSEUDOHYPERTROPHIC PROGRESSIVE, DUCHENNE TYPE; Duchenne Muscular Dystrophy (DMD). Identifiers: Orphanet 98896, MedGen C0013264, MONDO:0010679, OMIM 310200.

Submission:

Labcorp Genetics (formerly Invitae), Labcorp
Classification: Pathogenic for Duchenne muscular dystrophy. Last evaluated: 2022-06-13. Review status: criteria provided, single submitter. Criteria: Invitae Variant Classification Sherloc (09022015). Collection method: clinical testing. Allele origin: germline.
Comment: This sequence change creates a premature translational stop signal (p.Arg3508Asnfs*6) in the DMD gene. It is expected to result in an absent or disrupted protein product. Loss-of-function variants in DMD are known to be pathogenic (PMID: 16770791, 25007885). This variant is not present in population databases (gnomAD no frequency). For these reasons, this variant has been classified as Pathogenic. This variant has not been reported in the literature in individuals affected with DMD-related conditions.

Literature cited by the submitters: PubMed 16770791; PubMed 25007885.